The following is an entry in ClinVar:

ClinVar aggregate classification (germline): Uncertain significance (1 of 4 stars; one submission).

gnomAD v4.1: 1 of 1,592,304 alleles (0.000063%); highest among the groups gnomAD compares: Non-Finnish European, 0.000086%; no homozygotes.

Submission:

Labcorp Genetics (formerly Invitae), Labcorp
Classification: Uncertain significance. Last evaluated: 2024-07-02. Review status: criteria provided, single submitter. Criteria: Invitae Variant Classification Sherloc (09022015). Collection method: clinical testing. Allele origin: germline.
Comment: This sequence change falls in intron 4 of the NDUFAF1 gene. It does not directly change the encoded amino acid sequence of the NDUFAF1 protein. This variant is not present in population databases (gnomAD no frequency). This variant has not been reported in the literature in individuals affected with NDUFAF1-related conditions. Algorithms developed to predict the effect of sequence changes on RNA splicing suggest that this variant may disrupt the consensus splice site. In summary, the available evidence is currently insufficient to determine the role of this variant in disease. Therefore, it has been classified as a Variant of Uncertain Significance.

NM_016013.4(NDUFAF1):c.835-14T>C

Gene: NDUFAF1 (NADH:ubiquinone oxidoreductase complex assembly factor 1; minus strand). Cytogenetic location: 15q15.1.
Variant type: single nucleotide variant.
Coding change: c.835-14T>C on transcript NM_016013.4 (MANE Select); 14 bases into the intron before coding-DNA position 835, T replaced by C.
Molecular consequence: intron variant.
Genome position (GRCh38, 1-based): chr15:41,387,607, A>G on the plus strand (T>C on the coding strand, the complement: NDUFAF1 is on the minus strand). VCF-style: chr15-41387607-A-G. GRCh37 (hg19) VCF-style: chr15-41679805-A-G.
Identifiers: ClinVar variation 3657996 (VCV003657996.2).